The following is an entry in ClinVar:

NC_000012.12:g.21773450A>G

Genes: KCNJ8 (potassium inwardly rectifying channel subfamily J member 8; minus strand), KCNJ8-AS1 (KCNJ8 antisense RNA 1; plus strand). Cytogenetic location: 12p12.1.
Variant type: single nucleotide variant.
Genome position: GRCh38 VCF-style: chr12-21773450-A-G. GRCh37 (hg19) VCF-style: chr12-21926384-A-G.
Identifiers: ClinVar variation 1716673 (VCV001716673.6), dbSNP rs2540728490, ClinGen allele CA384131622.
Genomic context (GRCh38, chr12:21,773,450, plus strand): 5'-AAGATGACCAGCGTGTGGCGCCATTTCAGGTCCACCAAGGTGGTGAAGATGTCCTGTAGA[A>G]AGCGTCCTTGCTCACGGATGTTCTTATGCGCCAGGTTGCAGGCCCCGCTCTTGGCGATGA-3'

ClinVar aggregate classification (germline): Uncertain significance (1 of 4 stars; one submission).

Conditions:
Brugada syndrome. Also called: Sudden Unexplained Death Syndrome; Sudden Unexplained Nocturnal Death Syndrome (SUNDS); Sudden unexpected nocturnal death syndrome; Sudden unexplained nocturnal death syndrome. Identifiers: Orphanet 130, MedGen C1142166, MONDO:0015263.

Submission:

Labcorp Genetics (formerly Invitae), Labcorp
Classification: Uncertain significance for Brugada syndrome. Last evaluated: 2022-08-18. Review status: criteria provided, single submitter. Criteria: Invitae Variant Classification Sherloc (09022015). Collection method: clinical testing. Allele origin: germline.
Comment: In summary, the available evidence is currently insufficient to determine the role of this variant in disease. Therefore, it has been classified as a Variant of Uncertain Significance. Advanced modeling of protein sequence and biophysical properties (such as structural, functional, and spatial information, amino acid conservation, physicochemical variation, residue mobility, and thermodynamic stability) performed at Invitae indicates that this missense variant is expected to disrupt KCNJ8 protein function. This variant has not been reported in the literature in individuals affected with KCNJ8-related conditions. This variant is not present in population databases (gnomAD no frequency). This sequence change replaces phenylalanine, which is neutral and non-polar, with serine, which is neutral and polar, at codon 56 of the KCNJ8 protein (p.Phe56Ser).